The following is an entry in ClinVar:

NM_001943.5(DSG2):c.523+4A>G

Gene: DSG2 (desmoglein 2; plus strand). Cytogenetic location: 18q12.1.
Variant type: single nucleotide variant.
Coding change: c.523+4A>G on transcript NM_001943.5 (MANE Select); 4 bases into the intron after coding-DNA position 523, A replaced by G.
Molecular consequence: intron variant.
Genome position (GRCh38, 1-based): chr18:31,521,247, A>G. VCF-style: chr18-31521247-A-G. GRCh37 (hg19) VCF-style: chr18-29101210-A-G.
Identifiers: ClinVar variation 2756775 (VCV002756775.3), dbSNP rs745492947, ClinGen allele CA778436016.

ClinVar aggregate classification (germline): Uncertain significance (1 of 4 stars; one submission).

Conditions:
Arrhythmogenic right ventricular dysplasia 10. Also called: ARRHYTHMOGENIC RIGHT VENTRICULAR DYSPLASIA, FAMILIAL, 10; Arrhythmogenic Right Ventricular Dysplasia/Cardiomyopathy10; Arrhythmogenic right ventricular dysplasia/cardiomyopathy, type 10. Identifiers: MedGen C1857777, MONDO:0012434, OMIM 610193.

Allele frequency attached by ClinVar (database versions not stated): TOPMed 0.00001.
gnomAD v4.1: 2 of 1,604,208 alleles (0.00012%); highest among the groups gnomAD compares: Non-Finnish European, 0.000085%; no homozygotes.

Submission:

Labcorp Genetics (formerly Invitae), Labcorp
Classification: Uncertain significance for Arrhythmogenic right ventricular dysplasia 10. Last evaluated: 2023-07-19. Review status: criteria provided, single submitter. Criteria: Invitae Variant Classification Sherloc (09022015). Collection method: clinical testing. Allele origin: germline.
Comment: In summary, the available evidence is currently insufficient to determine the role of this variant in disease. Therefore, it has been classified as a Variant of Uncertain Significance. Variants that disrupt the consensus splice site are a relatively common cause of aberrant splicing (PMID: 17576681, 9536098). Algorithms developed to predict the effect of sequence changes on RNA splicing suggest that this variant may create or strengthen a splice site. This variant has not been reported in the literature in individuals affected with DSG2-related conditions. This variant is not present in population databases (gnomAD no frequency). This sequence change falls in intron 5 of the DSG2 gene. It does not directly change the encoded amino acid sequence of the DSG2 protein. It affects a nucleotide within the consensus splice site.

Literature cited by the submitters: PubMed 17576681; PubMed 9536098.